The following is an entry in ClinVar:

NM_001967.4(EIF4A2):c.209-3dup

Gene: EIF4A2 (eukaryotic translation initiation factor 4A2; plus strand). Cytogenetic location: 3q27.3.
Variant type: Duplication.
Coding change: c.209-3dup on transcript NM_001967.4 (MANE Select); 3 bases into the intron before coding-DNA position 209, one base duplicated (T; older notation c.209-3dupT).
Molecular consequence: intron variant.
Genome position (GRCh38, 1-based): chr3:186,784,959, T duplicated; the last of 7 consecutive T bases (chr3:186,784,953-186,784,959); duplicating any one gives the same sequence. VCF-style (leftmost placement, unchanged base first): chr3-186784952-C-CT. GRCh37 (hg19) VCF-style: chr3-186502741-C-CT.
Identifiers: ClinVar variation 3031625 (VCV003031625.2), dbSNP rs1721607584, ClinGen allele CA1427094554.

ClinVar aggregate classification (germline): Likely benign (0 of 4 stars; one submission).

Conditions:
EIF4A2-related disorder. Also called: EIF4A2-related condition.

Submission:

PreventionGenetics, part of Exact Sciences
Classification: Likely benign for EIF4A2-related condition. Last evaluated: 2020-09-23. Review status: no assertion criteria provided. Collection method: clinical testing. Allele origin: germline.
Comment: This variant is classified as likely benign based on ACMG/AMP sequence variant interpretation guidelines (Richards et al. 2015 PMID: 25741868, with internal and published modifications).